The following is an entry in ClinVar:

NM_201596.3(CACNB2):c.1552G>A (p.Glu518Lys)

Gene: CACNB2 (calcium voltage-gated channel auxiliary subunit beta 2; plus strand). Cytogenetic location: 10p12.31.
Variant type: single nucleotide variant.
Coding change: c.1552G>A on transcript NM_201596.3 (MANE Select); coding-DNA position 1552, G replaced by A.
Protein change: p.Glu518Lys; replaces glutamic acid 518 with lysine.
Molecular consequence: missense variant.
Genome position (GRCh38, 1-based): chr10:18,539,293, G>A. VCF-style: chr10-18539293-G-A. GRCh37 (hg19) VCF-style: chr10-18828222-G-A.
Other names: c.1387G>A, p.Glu463Lys (NM_000724.4); c.1354G>A, p.Glu452Lys (NM_001167945.2); c.1273G>A, p.Glu425Lys (NM_001330060.2); c.1294G>A, p.Glu432Lys (NM_001410882.1); c.1408G>A, p.Glu470Lys (NM_201570.3); c.1468G>A, p.Glu490Lys (NM_201571.4); c.1396G>A, p.Glu466Lys (NM_201572.4); c.1390G>A, p.Glu464Lys (NM_201590.3); and 2 more; short protein forms E466K, E425K, E452K, E432K, E470K, E463K, E464K, E480K.
Identifiers: ClinVar variation 3826736 (VCV003826736.1).

ClinVar aggregate classification (germline): Uncertain significance (1 of 4 stars; one submission).

Conditions:
Cardiovascular phenotype. Identifiers: MedGen CN230736.

gnomAD v4.1: 4 of 1,613,896 alleles (0.00025%); highest among the groups gnomAD compares: Admixed American, 0.0017%; no homozygotes.

Submission:

Ambry Genetics
Classification: Uncertain significance for Cardiovascular phenotype. Last evaluated: 2025-01-28. Review status: criteria provided, single submitter. Criteria: Ambry Variant Classification Scheme 2023. Collection method: clinical testing. Allele origin: germline.
Comment: The p.E464K variant (also known as c.1390G>A), located in coding exon 13 of the CACNB2 gene, results from a G to A substitution at nucleotide position 1390. The glutamic acid at codon 464 is replaced by lysine, an amino acid with similar properties. This amino acid position is conserved. In addition, the in silico prediction for this alteration is inconclusive. Based on the available evidence, the clinical significance of this variant remains unclear.